The following is an entry in ClinVar:

ClinVar aggregate classification (germline): Likely benign (1 of 4 stars; one submission).

Allele frequency attached by ClinVar (database versions not stated): gnomAD exomes below 0.00001.
gnomAD v4.1: 1 of 1,614,084 alleles (0.000062%); highest among the groups gnomAD compares: Non-Finnish European, 0.000085%; no homozygotes.

Submission:

GeneDx
Classification: Likely benign. Last evaluated: 2016-06-17. Review status: criteria provided, single submitter. Criteria: GeneDx Variant Classification (06012015). Collection method: clinical testing. Allele origin: germline. Affected: yes.
Comment: This variant is considered likely benign or benign based on one or more of the following criteria: it is a conservative change, it occurs at a poorly conserved position in the protein, it is predicted to be benign by multiple in silico algorithms, and/or has population frequency not consistent with disease.

NM_014795.4(ZEB2):c.730C>T (p.Pro244Ser)

Gene: ZEB2 (zinc finger E-box binding homeobox 2; minus strand). Cytogenetic location: 2q22.3.
Variant type: single nucleotide variant.
Coding change: c.730C>T on transcript NM_014795.4 (MANE Select); coding-DNA position 730, C replaced by T.
Protein change: p.Pro244Ser; replaces proline 244 with serine.
Molecular consequence: missense variant.
Genome position (GRCh38, 1-based): chr2:144,403,993, G>A on the plus strand (C>T on the coding strand, the complement: ZEB2 is on the minus strand). VCF-style: chr2-144403993-G-A. GRCh37 (hg19) VCF-style: chr2-145161560-G-A.
Other names: p.P244S:CCT>TCT; c.658C>T, p.Pro220Ser (NM_001171653.2); short protein forms P244S, P220S.
Identifiers: ClinVar variation 181729 (VCV000181729.1), dbSNP rs730881190, ClinGen allele CA297589.